The following is an entry in ClinVar:

ClinVar aggregate classification (germline): Uncertain significance. Review status: criteria provided, multiple submitters, no conflicts (2 of 4 stars). 2 submissions from 2 submitters: Uncertain significance (2). Last evaluated 2024-12-19.

Conditions:
MEGF10-related myopathy (CMYO10A). Also called: Congenital myopathy 10A, severe variant. Identifiers: Orphanet 439212, MedGen C3280679, MONDO:0013731, OMIM 614399.
Inborn genetic diseases. Identifiers: MedGen C0950123, MeSH D030342.

Allele frequency attached by ClinVar (database versions not stated): gnomAD exomes 0.00002; gnomAD 0.00011; TOPMed 0.00013.
gnomAD v4.1: 25 of 1,612,096 alleles (0.0016%); highest among the groups gnomAD compares: African/African-American, 0.019%; no homozygotes.

Submissions (2):

Labcorp Genetics (formerly Invitae), Labcorp
Classification: Uncertain significance for MEGF10-related myopathy. Last evaluated: 2024-12-19. Review status: criteria provided, single submitter. Criteria: Invitae Variant Classification Sherloc (09022015). Collection method: clinical testing. Allele origin: germline.
Comment: This sequence change replaces alanine, which is neutral and non-polar, with valine, which is neutral and non-polar, at codon 219 of the MEGF10 protein (p.Ala219Val). This variant is present in population databases (no rsID available, gnomAD 0.02%). This variant has not been reported in the literature in individuals affected with MEGF10-related conditions. ClinVar contains an entry for this variant (Variation ID: 1008769). Invitae Evidence Modeling of protein sequence and biophysical properties (such as structural, functional, and spatial information, amino acid conservation, physicochemical variation, residue mobility, and thermodynamic stability) indicates that this missense variant is not expected to disrupt MEGF10 protein function with a negative predictive value of 80%. In summary, the available evidence is currently insufficient to determine the role of this variant in disease. Therefore, it has been classified as a Variant of Uncertain Significance.

Ambry Genetics
Classification: Uncertain significance for Inborn genetic diseases. Last evaluated: 2022-09-29. Review status: criteria provided, single submitter. Criteria: Ambry Variant Classification Scheme 2023. Collection method: clinical testing. Allele origin: germline.

NM_001256545.2(MEGF10):c.656C>T (p.Ala219Val)

Gene: MEGF10 (multiple EGF like domains 10; plus strand). Cytogenetic location: 5q23.2.
Variant type: single nucleotide variant.
Coding change: c.656C>T on transcript NM_001256545.2 (MANE Select); coding-DNA position 656, C replaced by T.
Protein change: p.Ala219Val; replaces alanine 219 with valine.
Molecular consequence: missense variant.
Genome position (GRCh38, 1-based): chr5:127,396,775, C>T. VCF-style: chr5-127396775-C-T. GRCh37 (hg19) VCF-style: chr5-126732467-C-T.
Other names: c.656C>T, p.Ala219Val (NM_001308119.2, NM_001308121.2, NM_032446.3); c.656C>T (NM_032446.2); short protein forms A219V.
Identifiers: ClinVar variation 1008769 (VCV001008769.8), dbSNP rs945019709, ClinGen allele CA126930379.